The following is an entry in ClinVar:

NM_001040142.2(SCN2A):c.2552C>A (p.Ser851Ter)

Gene: SCN2A (sodium voltage-gated channel alpha subunit 2; plus strand). Cytogenetic location: 2q24.3.
Variant type: single nucleotide variant.
Coding change: c.2552C>A on transcript NM_001040142.2 (MANE Select); coding-DNA position 2552, C replaced by A.
Protein change: p.Ser851Ter; replaces serine 851 with a stop codon.
Molecular consequence: nonsense.
Genome position (GRCh38, 1-based): chr2:165,342,459, C>A. VCF-style: chr2-165342459-C-A. GRCh37 (hg19) VCF-style: chr2-166198969-C-A.
Other names: c.2552C>A, p.Ser851Ter (NM_001040143.2, NM_001371246.1, NM_001371247.1 and 1 more transcripts); short protein forms S851*.
Identifiers: ClinVar variation 2049947 (VCV002049947.4), dbSNP rs2467999322, ClinGen allele CA349012904.

ClinVar aggregate classification (germline): Pathogenic (1 of 4 stars; one submission).

Conditions:
Seizures, benign familial infantile, 3 (BFIS3). Also called: CONVULSIONS, BENIGN FAMILIAL INFANTILE, 3; Familial neonatal seizures. Identifiers: Orphanet 140927, Orphanet 306, MedGen C1843140, MONDO:0011904, OMIM 607745.
Developmental and epileptic encephalopathy, 11 (DEE11). Also called: Early infantile epileptic encephalopathy 11. Identifiers: Orphanet 1934, MedGen C3150987, MONDO:0013388, OMIM 613721.

Allele frequency attached by ClinVar (database versions not stated): gnomAD exomes below 0.00001.
gnomAD v4.1: 1 of 1,613,966 alleles (0.000062%); highest among the groups gnomAD compares: South Asian, 0.0011%; no homozygotes.

Submission:

Labcorp Genetics (formerly Invitae), Labcorp
Classification: Pathogenic for Seizures, benign familial infantile, 3; Developmental and epileptic encephalopathy, 11. Last evaluated: 2022-08-23. Review status: criteria provided, single submitter. Criteria: Invitae Variant Classification Sherloc (09022015). Collection method: clinical testing. Allele origin: germline.
Comment: For these reasons, this variant has been classified as Pathogenic. This variant has not been reported in the literature in individuals affected with SCN2A-related conditions. This variant is not present in population databases (gnomAD no frequency). This sequence change creates a premature translational stop signal (p.Ser851*) in the SCN2A gene. It is expected to result in an absent or disrupted protein product. Loss-of-function variants in SCN2A are known to be pathogenic (PMID: 28379373).

Literature cited by the submitters: PubMed 28379373.